The following is an entry in ClinVar:

NM_021954.4(GJA3):c.395C>T (p.Ser132Leu)

Gene: GJA3 (gap junction protein alpha 3; minus strand). Cytogenetic location: 13q12.11.
Variant type: single nucleotide variant.
Coding change: c.395C>T on transcript NM_021954.4 (MANE Select); coding-DNA position 395, C replaced by T.
Protein change: p.Ser132Leu; replaces serine 132 with leucine.
Molecular consequence: missense variant.
Genome position (GRCh38, 1-based): chr13:20,142,894, G>A on the plus strand (C>T on the coding strand, the complement: GJA3 is on the minus strand). VCF-style: chr13-20142894-G-A. GRCh37 (hg19) VCF-style: chr13-20717033-G-A.
Other names: short protein forms S132L.
Identifiers: ClinVar variation 880845 (VCV000880845.32), dbSNP rs145026721, ClinGen allele CA6904123.

ClinVar aggregate classification (germline): Conflicting classifications of pathogenicity. Review status: criteria provided, conflicting classifications (1 of 4 stars). 4 submissions from 4 submitters: Uncertain significance (3); Benign (1). Last evaluated 2025-08-28.

Conditions:
Cataract 14 multiple types. Also called: CATARACT 14, ZONULAR PULVERULENT; CATARACT 14, NUCLEAR PULVERULENT; CATARACT 14, NUCLEAR PULVERULENT AND POSTERIOR POLAR; CATARACT 14, NUCLEAR CORALLIFORM; CATARACT 14, EMBRYONAL NUCLEAR; CATARACT 14, COPPOCK-LIKE. Identifiers: Orphanet 91492, MedGen C1866078, MONDO:0011162, OMIM 601885.
Inborn genetic diseases. Identifiers: MedGen C0950123, MeSH D030342.

Allele frequency attached by ClinVar (database versions not stated): TOPMed 0.00019; gnomAD exomes 0.00022; ExAC 0.00023; ESP Exome Variant Server 0.00023; gnomAD 0.00025 and 0.00027.

Submissions (4):

Ambry Genetics
Classification: Uncertain significance for Inborn genetic diseases. Last evaluated: 2025-08-28. Review status: criteria provided, single submitter. Criteria: Ambry Variant Classification Scheme 2023. Collection method: clinical testing. Allele origin: germline.

CeGaT Center for Human Genetics Tuebingen
Classification: Uncertain significance. Last evaluated: 2022-07-01. Review status: criteria provided, single submitter. Criteria: CeGaT Center For Human Genetics Tuebingen Variant Classification Criteria Version 2. Collection method: clinical testing. Allele origin: germline. Affected: yes. Observed: 1 variant allele.

GeneDx
Classification: Uncertain significance. Last evaluated: 2019-12-19. Review status: criteria provided, single submitter. Criteria: GeneDx Variant Classification Process June 2021. Collection method: clinical testing. Allele origin: germline. Affected: yes.
Comment: Has not been previously published as pathogenic or benign to our knowledge; In silico analysis, which includes protein predictors and evolutionary conservation, supports that this variant does not alter protein structure/function

Illumina Laboratory Services, Illumina
Classification: Benign for Cataract 14 multiple types. Last evaluated: 2017-04-27. Review status: criteria provided, single submitter. Criteria: ICSL Variant Classification Criteria 13 December 2019. Collection method: clinical testing. Allele origin: germline.
Comment: This variant was observed as part of a predisposition screen in an ostensibly healthy population. A literature search was performed for the gene, cDNA change, and amino acid change (where applicable). No publications were found based on this search. Allele frequency data from public databases was too high to be consistent with this variant causing disease. Therefore, this variant is classified as benign.